The following is an entry in ClinVar:

NM_001042413.2(GLIS3):c.1994G>A (p.Ser665Asn)

Genes: GLIS3-AS1 (GLIS3 antisense RNA 1; plus strand), GLIS3 (GLIS family zinc finger 3; minus strand). Cytogenetic location: 9p24.2.
Variant type: single nucleotide variant.
Coding change: c.1994G>A on transcript NM_001042413.2 (MANE Select); coding-DNA position 1994, G replaced by A.
Protein change: p.Ser665Asn; replaces serine 665 with asparagine.
Molecular consequence: missense variant. On other transcripts: non-coding transcript variant (1).
Genome position (GRCh38, 1-based): chr9:3,898,825, C>T on the plus strand (G>A on the coding strand, the complement: GLIS3 is on the minus strand). VCF-style: chr9-3898825-C-T. GRCh37 (hg19) VCF-style: chr9-3898825-C-T.
Other names: c.1529G>A, p.Ser510Asn (NM_152629.4); short protein forms S665N, S510N.
Identifiers: ClinVar variation 1408018 (VCV001408018.7), dbSNP rs199817194, ClinGen allele CA4967986.
Genomic context (GRCh38, chr9:3,898,825, plus strand): 5'-GCCGGCTGCAGGGACTGCACGGTGAGGCAATCTGTGAGCAGGTCTGGATGGAGCTCTGTG[C>T]TGGACCGCAACTAAGAGGACAAAACGGAAGAGACATCGATAAGGAGAGCCGGTCCTTGGA-3'
Protein context (NP_001035878.1, residues 655-675): EQQARKKLRS[Ser665Asn]TELHPDLLTD

ClinVar aggregate classification (germline): Uncertain significance. Review status: criteria provided, multiple submitters, no conflicts (2 of 4 stars). 3 submissions from 3 submitters: Uncertain significance (3). Last evaluated 2021-09-24.

Conditions:
Neonatal diabetes mellitus with congenital hypothyroidism. Also called: NDH SYNDROME. Identifiers: Orphanet 79118, MedGen C1857775, MONDO:0012436, OMIM 610199.

Allele frequency attached by ClinVar (database versions not stated): gnomAD exomes 0.00005 and 0.00009; ExAC 0.00009; gnomAD 0.00009 and 0.00011; TOPMed 0.00011.
gnomAD v4.1: 94 of 1,613,962 alleles (0.0058%); highest among the groups gnomAD compares: Middle Eastern, 0.13%; 1 homozygote.

Submissions (3):

Labcorp Genetics (formerly Invitae), Labcorp
Classification: Uncertain significance. Last evaluated: 2021-09-24. Review status: criteria provided, single submitter. Criteria: Invitae Variant Classification Sherloc (09022015). Collection method: clinical testing. Allele origin: germline.
Comment: This sequence change replaces serine with asparagine at codon 510 of the GLIS3 protein (p.Ser510Asn). The serine residue is highly conserved and there is a small physicochemical difference between serine and asparagine. This variant is present in population databases (rs199817194, ExAC 0.03%). This variant has not been reported in the literature in individuals affected with GLIS3-related conditions. Algorithms developed to predict the effect of missense changes on protein structure and function (SIFT, PolyPhen-2, Align-GVGD) all suggest that this variant is likely to be tolerated. In summary, the available evidence is currently insufficient to determine the role of this variant in disease. Therefore, it has been classified as a Variant of Uncertain Significance.

Fulgent Genetics
Classification: Uncertain significance for Neonatal diabetes mellitus with congenital hypothyroidism. Last evaluated: 2021-07-03. Review status: criteria provided, single submitter. Criteria: ACMG Guidelines, 2015. Collection method: clinical testing. Allele origin: unknown.

Breakthrough Genomics
Classification: Uncertain significance. Review status: criteria provided, single submitter. Criteria: ACMG Guidelines, 2015. Collection method: not provided. Allele origin: germline. Inheritance: Autosomal recessive inheritance. Affected: yes.